The following is an entry in ClinVar:

ClinVar aggregate classification (germline): Likely benign (0 of 4 stars; one submission).

Conditions:
SEMA3G-related disorder. Also called: SEMA3G-related condition.

Allele frequency attached by ClinVar (database versions not stated): TOPMed 0.00013; gnomAD 0.00021; ESP Exome Variant Server 0.00039; ExAC 0.00043.
gnomAD v4.1: 524 of 1,600,274 alleles (0.033%); highest among the groups gnomAD compares: South Asian, 0.073%; 2 homozygotes.

Submission:

PreventionGenetics, part of Exact Sciences
Classification: Likely benign for SEMA3G-related condition. Last evaluated: 2021-08-22. Review status: no assertion criteria provided. Collection method: clinical testing. Allele origin: germline.
Comment: This variant is classified as likely benign based on ACMG/AMP sequence variant interpretation guidelines (Richards et al. 2015 PMID: 25741868, with internal and published modifications).

NM_020163.3(SEMA3G):c.516C>T (p.His172=)

Gene: SEMA3G (semaphorin 3G; minus strand). Cytogenetic location: 3p21.1.
Variant type: single nucleotide variant.
Coding change: c.516C>T on transcript NM_020163.3 (MANE Select); coding-DNA position 516, C replaced by T.
Protein change: p.His172=; no amino-acid change (histidine 172 retained).
Molecular consequence: synonymous variant.
Genome position (GRCh38, 1-based): chr3:52,441,853, G>A on the plus strand (C>T on the coding strand, the complement: SEMA3G is on the minus strand). VCF-style: chr3-52441853-G-A. GRCh37 (hg19) VCF-style: chr3-52475869-G-A.
Identifiers: ClinVar variation 3051664 (VCV003051664.2), dbSNP rs372103966, ClinGen allele CA2438318.
Genomic context (GRCh38, chr3:52,441,853, plus strand): 5'-CTCACCCTGGCCTGGGCATCACCCACCTATGAAGGTGCTGGCAAAGGGACGGCTGGGCTC[G>A]TGAGGGCACCGCCCCCGGCCACTTTCCACACTGCCAGGCTCCAGGTGGAGCACATGCTAG-3'
Protein context (NP_064548.1, residues 162-182): SVESGRGRCP[His172=]EPSRPFASTF